The following is an entry in ClinVar:

NM_001458.5(FLNC):c.5220C>T (p.His1740=)

Gene: FLNC (filamin C; plus strand). Cytogenetic location: 7q32.1.
Variant type: single nucleotide variant.
Coding change: c.5220C>T on transcript NM_001458.5 (MANE Select); coding-DNA position 5220, C replaced by T.
Protein change: p.His1740=; no amino-acid change (histidine 1740 retained).
Molecular consequence: synonymous variant. On other transcripts: intron variant (1).
Genome position (GRCh38, 1-based): chr7:128,849,996, C>T. VCF-style: chr7-128849996-C-T. GRCh37 (hg19) VCF-style: chr7-128490050-C-T.
Other names: c.5200-388C>T (NM_001127487.2).
Identifiers: ClinVar variation 744202 (VCV000744202.19), dbSNP rs369739871, ClinGen allele CA4475612.

ClinVar aggregate classification (germline): Benign/Likely benign. Review status: criteria provided, multiple submitters, no conflicts (2 of 4 stars). 6 submissions from 6 submitters: Benign (1); Likely benign (4). 1 of the submissions does not count toward it. Last evaluated 2026-02-02.

Conditions:
Myofibrillar myopathy 5. Also called: Filaminopathy (type); FILAMINOPATHY, AUTOSOMAL DOMINANT. Identifiers: Orphanet 171445, MedGen C1836050, MONDO:0012289, OMIM 609524.
Hypertrophic cardiomyopathy 26. Also called: Cardiomyopathy, familial hypertrophic, 26. Identifiers: Orphanet 75249, MedGen C4310749, MONDO:0014883, OMIM 617047.
Distal myopathy with posterior leg and anterior hand involvement. Also called: WILLIAMS DISTAL MYOPATHY. Identifiers: Orphanet 63273, MedGen C3279722, MONDO:0013550, OMIM 614065.
FLNC-related disorder. Also called: FLNC-related disorders; FLNC-related condition.
Cardiovascular phenotype. Identifiers: MedGen CN230736.

Allele frequency attached by ClinVar (database versions not stated): 1000 Genomes Project 30x 0.00016; ESP Exome Variant Server 0.00016; 1000 Genomes Project 0.00020; TOPMed 0.00021; gnomAD 0.00025 and 0.00027.
gnomAD v4.1: 123 of 1,585,100 alleles (0.0078%); highest among the groups gnomAD compares: African/African-American, 0.066%; no homozygotes.

Submissions (6):

Labcorp Genetics (formerly Invitae), Labcorp
Classification: Likely benign for Distal myopathy with posterior leg and anterior hand involvement; Myofibrillar myopathy 5; Hypertrophic cardiomyopathy 26. Last evaluated: 2026-02-02. Review status: criteria provided, single submitter. Criteria: Invitae Variant Classification Sherloc (09022015). Collection method: clinical testing. Allele origin: germline.

Blueprint Genetics
Classification: Likely benign. Last evaluated: 2024-09-20. Review status: criteria provided, single submitter. Criteria: ACMG Guidelines, 2015. Collection method: clinical testing. Allele origin: germline.

Women's Health and Genetics/Laboratory Corporation of America, LabCorp
Classification: Benign. Last evaluated: 2024-02-04. Review status: criteria provided, single submitter. Criteria: LabCorp Variant Classification Summary - May 2015. Collection method: clinical testing. Allele origin: germline.

Ambry Genetics
Classification: Likely benign for Cardiovascular phenotype. Last evaluated: 2019-12-10. Review status: criteria provided, single submitter. Criteria: Ambry Variant Classification Scheme 2023. Collection method: clinical testing. Allele origin: germline.

GeneDx
Classification: Likely benign. Last evaluated: 2019-08-07. Review status: criteria provided, single submitter. Criteria: GeneDx Variant Classification Process June 2021. Collection method: clinical testing. Allele origin: germline. Affected: yes.

PreventionGenetics, part of Exact Sciences
Classification: Likely benign for FLNC-related condition. Last evaluated: 2019-03-26. Review status: no assertion criteria provided. Collection method: clinical testing. Allele origin: germline. Not counted in ClinVar's aggregate classification.
Comment: This variant is classified as likely benign based on ACMG/AMP sequence variant interpretation guidelines (Richards et al. 2015 PMID: 25741868, with internal and published modifications).